The following is an entry in ClinVar:

ClinVar aggregate classification (germline): Likely benign. Review status: criteria provided, multiple submitters, no conflicts (2 of 4 stars). 4 submissions from 4 submitters: Likely benign (3). 1 of the submissions does not count toward it. Last evaluated 2025-12-08.

Conditions:
Hereditary nonpolyposis colorectal neoplasms. Identifiers: MedGen C0009405, MeSH D003123.
Hereditary cancer-predisposing syndrome. Also called: Hereditary neoplastic syndrome; Hereditary Cancer Syndrome; Neoplastic Syndromes, Hereditary; Tumor predisposition. Identifiers: Orphanet 140162, MedGen C0027672, MeSH D009386, MONDO:0015356.
Lynch syndrome 5 (LYNCH5). Also called: Hereditary non-polyposis colorectal cancer, type 5; Colorectal cancer, hereditary nonpolyposis, type 5. Identifiers: Orphanet 144, MedGen C1833477, MONDO:0013710, OMIM 614350. Disease mechanism: loss of function.

Allele frequency attached by ClinVar (database versions not stated): ExAC 0.00001; gnomAD 0.00001; gnomAD exomes 0.00001; TOPMed 0.00001.

Submissions (4):

Labcorp Genetics (formerly Invitae), Labcorp
Classification: Likely benign for Hereditary nonpolyposis colorectal neoplasms. Last evaluated: 2025-12-08. Review status: criteria provided, single submitter. Criteria: Invitae Variant Classification Sherloc (09022015). Collection method: clinical testing. Allele origin: germline.

GeneDx
Classification: Likely benign. Last evaluated: 2015-12-24. Review status: criteria provided, single submitter. Criteria: GeneDx Variant Classification (06012015). Collection method: clinical testing. Allele origin: germline. Affected: yes.
Comment: This variant is considered likely benign or benign based on one or more of the following criteria: it is a conservative change, it occurs at a poorly conserved position in the protein, it is predicted to be benign by multiple in silico algorithms, and/or has population frequency not consistent with disease.

Color Diagnostics, LLC DBA Color Health
Classification: Likely benign for Hereditary cancer-predisposing syndrome. Last evaluated: 2014-12-09. Review status: criteria provided, single submitter. Criteria: ACMG Guidelines, 2015. Collection method: clinical testing. Allele origin: germline.

Counsyl
Classification: Uncertain significance for Lynch syndrome 5. Last evaluated: 2015-12-04. Review status: no assertion criteria provided. Collection method: clinical testing. Allele origin: unknown. Not counted in ClinVar's aggregate classification.

Literature cited by the submitters: PubMed 16010685 (cited by Counsyl).

NM_000179.3(MSH6):c.3438+17G>C

Gene: MSH6 (mutS homolog 6; plus strand). Cytogenetic location: 2p16.3.
Variant type: single nucleotide variant.
Coding change: c.3438+17G>C on transcript NM_000179.3 (MANE Select); 17 bases into the intron after coding-DNA position 3438, G replaced by C.
Molecular consequence: intron variant.
Genome position (GRCh38, 1-based): chr2:47,803,702, G>C. VCF-style: chr2-47803702-G-C. GRCh37 (hg19) VCF-style: chr2-48030841-G-C.
Other names: c.2532+17G>C (NM_001281493.2, NM_001281494.2); c.3048+17G>C (NM_001281492.2).
Identifiers: ClinVar variation 237190 (VCV000237190.13), dbSNP rs759737239, ClinGen allele CA070832.